The following is an entry in ClinVar:

ClinVar aggregate classification (germline): Benign/Likely benign. Review status: criteria provided, multiple submitters, no conflicts (2 of 4 stars). 8 submissions from 5 submitters: Benign (2); Likely benign (6). Last evaluated 2026-02-01.

Conditions:
Congenital myopathy 18. Also called: Myopathy, congenital, due to dihydropyridine receptor defect; DIHYDROPYRIDINE RECEPTOR CONGENITAL MYOPATHY; DHPR CONGENITAL MYOPATHY. Identifiers: MedGen C5830283, MONDO:0859514, OMIM 620246.
Hypokalemic periodic paralysis, type 1. Also called: Hypokalemic Periodic Paralysis Type 1 (AD); HypoPP. Identifiers: Orphanet 681, MedGen C3714580, MONDO:0042979, OMIM 170400.
Malignant hyperthermia, susceptibility to, 5 (MHS5). Also called: CACNA1S-Related Malignant Hyperthermia Susceptibility. Identifiers: Orphanet 423, MedGen C1866077, MONDO:0011163, OMIM 601887.
Thyrotoxic periodic paralysis, susceptibility to, 1 (TTPP1). Identifiers: Orphanet 79102, MedGen C2749982, MONDO:0008570, OMIM 188580.

Allele frequency attached by ClinVar (database versions not stated): gnomAD 0.00433 and 0.00464; TOPMed 0.00493; 1000 Genomes Project 0.00539; 1000 Genomes Project 30x 0.00578; ESP Exome Variant Server 0.00584.
gnomAD v4.1: 1,569 of 1,612,162 alleles (0.097%); highest among the groups gnomAD compares: African/African-American, 1.5%; 6 homozygotes.

Submissions (8):

Labcorp Genetics (formerly Invitae), Labcorp
Classification: Benign for Hypokalemic periodic paralysis, type 1; Malignant hyperthermia, susceptibility to, 5. Last evaluated: 2026-02-01. Review status: criteria provided, single submitter. Criteria: Invitae Variant Classification Sherloc (09022015). Collection method: clinical testing. Allele origin: germline.

Blueprint Genetics
Classification: Likely benign. Last evaluated: 2024-11-11. Review status: criteria provided, single submitter. Criteria: ACMG Guidelines, 2015. Collection method: clinical testing. Allele origin: germline.

Genome-Nilou Lab
Classification: Likely benign for Malignant hyperthermia, susceptibility to, 5. Last evaluated: 2023-04-11. Review status: criteria provided, single submitter. Criteria: ACMG Guidelines, 2015. Collection method: clinical testing. Allele origin: germline. Affected: no.

Genome-Nilou Lab
Classification: Likely benign for Thyrotoxic periodic paralysis, susceptibility to, 1. Last evaluated: 2023-04-11. Review status: criteria provided, single submitter. Criteria: ACMG Guidelines, 2015. Collection method: clinical testing. Allele origin: germline. Affected: no.

Genome-Nilou Lab
Classification: Likely benign for Congenital myopathy 18. Last evaluated: 2023-04-11. Review status: criteria provided, single submitter. Criteria: ACMG Guidelines, 2015. Collection method: clinical testing. Allele origin: germline. Affected: no.

Genome-Nilou Lab
Classification: Likely benign for Hypokalemic periodic paralysis, type 1. Last evaluated: 2023-04-11. Review status: criteria provided, single submitter. Criteria: ACMG Guidelines, 2015. Collection method: clinical testing. Allele origin: germline. Affected: no.

GeneDx
Classification: Likely benign. Last evaluated: 2017-11-27. Review status: criteria provided, single submitter. Criteria: GeneDx Variant Classification (06012015). Collection method: clinical testing. Allele origin: germline. Affected: yes.
Comment: This variant is considered likely benign or benign based on one or more of the following criteria: it is a conservative change, it occurs at a poorly conserved position in the protein, it is predicted to be benign by multiple in silico algorithms, and/or has population frequency not consistent with disease.

PreventionGenetics, part of Exact Sciences
Classification: Benign. Review status: criteria provided, single submitter. Criteria: ACMG Guidelines, 2015. Collection method: clinical testing. Allele origin: germline.

NM_000069.3(CACNA1S):c.2745+14C>T

Gene: CACNA1S (calcium voltage-gated channel subunit alpha1 S; minus strand). Cytogenetic location: 1q32.1.
Variant type: single nucleotide variant.
Coding change: c.2745+14C>T on transcript NM_000069.3 (MANE Select); 14 bases into the intron after coding-DNA position 2745, C replaced by T.
Molecular consequence: intron variant.
Genome position (GRCh38, 1-based): chr1:201,066,215, G>A on the plus strand (C>T on the coding strand, the complement: CACNA1S is on the minus strand). VCF-style: chr1-201066215-G-A. GRCh37 (hg19) VCF-style: chr1-201035343-G-A.
Identifiers: ClinVar variation 254820 (VCV000254820.15), dbSNP rs74138824, ClinGen allele CA079241.